The following is an entry in ClinVar:

NM_000046.5(ARSB):c.293T>A (p.Leu98Gln)

Genes: ARSB (arylsulfatase B; minus strand), LOC129994126 (ATAC-STARR-seq lymphoblastoid silent region 16127; plus strand). Cytogenetic location: 5q14.1.
Variant type: single nucleotide variant.
Coding change: c.293T>A on transcript NM_000046.5 (MANE Select); coding-DNA position 293, T replaced by A.
Protein change: p.Leu98Gln; replaces leucine 98 with glutamine.
Molecular consequence: missense variant.
Genome position (GRCh38, 1-based): chr5:78,984,956, A>T on the plus strand (T>A on the coding strand, the complement: ARSB is on the minus strand). VCF-style: chr5-78984956-A-T. GRCh37 (hg19) VCF-style: chr5-78280779-A-T.
Other names: c.293T>A, p.Leu98Gln (NM_198709.3); short protein forms L98Q.
Identifiers: ClinVar variation 559763 (VCV000559763.1), dbSNP rs1554032090, ClinGen allele CA360196361.

ClinVar aggregate classification (germline): Likely pathogenic (1 of 4 stars; one submission).

Conditions:
Mucopolysaccharidosis type 6 (MPS6). Also called: N-ACETYLGALACTOSAMINE-4-SULFATASE DEFICIENCY; MPS VI; MPS 6; Maroteaux Lamy syndrome; ARSB DEFICIENCY; ARYLSULFATASE B DEFICIENCY. Identifiers: Orphanet 583, MedGen C0026709, MONDO:0009661, OMIM 253200.

Submission:

Laboratory of Diagnosis and Therapy of Lysosomal Disorders, University of Padova
Classification: Likely pathogenic for Mucopolysaccharidosis type 6. Last evaluated: 2018-01-01. Review status: criteria provided, single submitter. Criteria: ACMG Guidelines, 2015. Collection method: curation. Allele origin: germline. Affected: yes.
Comment: In vitro functional studies supportive of a damaging effect on the gene product (low to no ARSB activity in homozygotes; PS3); Absent from GnomAD (PM2)

Literature cited by the submitters: PubMed 17458871; PubMed 30118150.